The following is an entry in ClinVar:

NM_000044.6(AR):c.467A>G (p.Asp156Gly)

Gene: AR (androgen receptor; plus strand). Cytogenetic location: Xq12.
Variant type: single nucleotide variant.
Coding change: c.467A>G on transcript NM_000044.6 (MANE Select); coding-DNA position 467, A replaced by G.
Protein change: p.Asp156Gly; replaces aspartic acid 156 with glycine.
Molecular consequence: missense variant. On other transcripts: 5 prime UTR variant (1).
Genome position (GRCh38, 1-based): chrX:67,545,613, A>G. VCF-style: chrX-67545613-A-G. GRCh37 (hg19) VCF-style: chrX-66765455-A-G.
Other names: c.-1317A>G (NM_001011645.3); c.467A>G, p.Asp156Gly (NM_001348061.1, NM_001348063.1, NM_001348064.1); short protein forms D156G.
Identifiers: ClinVar variation 4882255 (VCV004882255.2).

ClinVar aggregate classification (germline): Uncertain significance (1 of 4 stars; one submission).

gnomAD v4.1: 2 of 1,189,641 alleles (0.00017%); highest among the groups gnomAD compares: Non-Finnish European, 0.00023%; no homozygotes.

Submission:

Dasa
Classification: Uncertain significance. Last evaluated: 2026-01-29. Review status: criteria provided, single submitter. Criteria: DASA Assertion Criteria. Collection method: clinical testing. Allele origin: germline.
Comment: NM_000044.6(AR):c.467A>G (p.Asp156Gly) is a missense variant that results in the substitution of aspartic acid with glycine. This variant is rare in population databases. The currently available literature and clinical evidence are not sufficient to establish a definitive association between this variant and the reported condition. Therefore, this variant is classified as a variant of uncertain significance.